The following is an entry in ClinVar:

NM_025153.3(ATP10B):c.3068G>A (p.Arg1023Gln)

Genes: ATP10B (ATPase phospholipid transporting 10B (putative); minus strand), LOC126807574 (CDK7 strongly-dependent group 2 enhancer GRCh37_chr5:160033047-160034246; plus strand). Cytogenetic location: 5q34.
Variant type: single nucleotide variant.
Coding change: c.3068G>A on transcript NM_025153.3 (MANE Select); coding-DNA position 3068, G replaced by A.
Protein change: p.Arg1023Gln; replaces arginine 1023 with glutamine.
Molecular consequence: missense variant.
Genome position (GRCh38, 1-based): chr5:160,606,857, C>T on the plus strand (G>A on the coding strand, the complement: ATP10B is on the minus strand). VCF-style: chr5-160606857-C-T. GRCh37 (hg19) VCF-style: chr5-160033864-C-T.
Other names: c.3068G>A, p.Arg1023Gln (NM_001366652.1, NM_001366655.1); c.3032G>A, p.Arg1011Gln (NM_001366657.1); c.2984G>A, p.Arg995Gln (NM_001410822.1); short protein forms R1011Q, R1023Q, R995Q.
Identifiers: ClinVar variation 2656012 (VCV002656012.24), dbSNP rs184625643, ClinGen allele CA3542325.

ClinVar aggregate classification (germline): Likely benign (1 of 4 stars; one submission).

Allele frequency attached by ClinVar (database versions not stated): 1000 Genomes Project 30x 0.00031; 1000 Genomes Project 0.00040; ESP Exome Variant Server 0.00064; ExAC 0.00065; gnomAD 0.00068; TOPMed 0.00083.
gnomAD v4.1: 1,224 of 1,614,102 alleles (0.076%); highest among the groups gnomAD compares: Middle Eastern, 0.17%; 1 homozygote.

Submission:

CeGaT Center for Human Genetics Tuebingen
Classification: Likely benign. Last evaluated: 2023-09-01. Review status: criteria provided, single submitter. Criteria: CeGaT Center For Human Genetics Tuebingen Variant Classification Criteria Version 2. Collection method: clinical testing. Allele origin: germline. Affected: yes. Observed: 1 variant allele.
Comment: ATP10B: BP4